The following is an entry in ClinVar:

ClinVar aggregate classification (germline): Benign/Likely benign. Review status: criteria provided, multiple submitters, no conflicts (2 of 4 stars). 9 submissions from 8 submitters: Benign (4); Likely benign (4). 1 of the submissions does not count toward it. Last evaluated 2026-02-03.

Conditions:
Holoprosencephaly 7 (HPE7). Identifiers: Orphanet 2162, MedGen C1835820, MONDO:0012562, OMIM 610828.
Basal cell carcinoma, susceptibility to, 1. Also called: BCC1. Identifiers: MedGen C2751544, MONDO:0011556, OMIM 605462.
Basal cell nevus syndrome 1 (BCNS1). Also called: GORLIN-GOLTZ SYNDROME; MULTIPLE BASAL CELL NEVI, ODONTOGENIC KERATOCYSTS, AND SKELETAL ANOMALIES. Identifiers: MedGen CN376810, MONDO:0958174, OMIM 109400.
Hereditary cancer-predisposing syndrome. Also called: Tumor predisposition; Hereditary neoplastic syndrome; Neoplastic Syndromes, Hereditary; Hereditary Cancer Syndrome. Identifiers: Orphanet 140162, MedGen C0027672, MeSH D009386, MONDO:0015356.
Gorlin syndrome. Also called: Nevoid Basal Cell Carcinoma Syndrome; Basal cell nevus syndrome. Identifiers: Orphanet 377, MedGen C0004779, MONDO:0007187.
PTCH1-related disorder. Also called: PTCH1-related disorders; PTCH1-related condition.

Allele frequency attached by ClinVar (database versions not stated): gnomAD 0.00048 and 0.00041; gnomAD exomes 0.00106; ExAC 0.00107; TOPMed 0.00127; 1000 Genomes Project 30x 0.00156; 1000 Genomes Project 0.00160.

Submissions (9):

Labcorp Genetics (formerly Invitae), Labcorp
Classification: Benign for Gorlin syndrome. Last evaluated: 2026-02-03. Review status: criteria provided, single submitter. Criteria: Invitae Variant Classification Sherloc (09022015). Collection method: clinical testing. Allele origin: germline.

Center for Genomic Medicine, Rigshospitalet, Copenhagen University Hospital
Classification: Benign. Last evaluated: 2025-12-29. Review status: criteria provided, single submitter. Criteria: ACMG Guidelines, 2015. Collection method: clinical testing. Allele origin: germline.

Blueprint Genetics
Classification: Likely benign. Last evaluated: 2024-10-30. Review status: criteria provided, single submitter. Criteria: ACMG Guidelines, 2015. Collection method: clinical testing. Allele origin: germline.

Department of Pathology and Laboratory Medicine, Sinai Health System
Classification: Likely benign for Basal cell nevus syndrome 1; Basal cell carcinoma, susceptibility to, 1; Holoprosencephaly 7. Last evaluated: 2023-10-03. Review status: criteria provided, single submitter. Criteria: ACMG Guidelines, 2015. Collection method: clinical testing. Allele origin: germline. Affected: no.

KCCC/NGS Laboratory, Kuwait Cancer Control Center
Classification: Benign for Basal cell nevus syndrome 1. Last evaluated: 2023-07-07. Review status: criteria provided, single submitter. Criteria: ACMG Guidelines, 2015. Collection method: clinical testing. Allele origin: germline. Affected: yes.

Illumina Laboratory Services, Illumina
Classification: Likely benign for Basal cell nevus syndrome 1. Last evaluated: 2017-04-27. Review status: criteria provided, single submitter. Criteria: ICSL Variant Classification Criteria 13 December 2019. Collection method: clinical testing. Allele origin: germline.
Comment: This variant was observed as part of a predisposition screen in an ostensibly healthy population. A literature search was performed for the gene, cDNA change, and amino acid change (where applicable). No publications were found based on this search. Allele frequency data from public databases allowed determination this variant is unlikely to cause disease. Therefore, this variant is classified as likely benign.

Illumina Laboratory Services, Illumina
Classification: Likely benign for Holoprosencephaly 7. Last evaluated: 2017-04-27. Review status: criteria provided, single submitter. Criteria: ICSL Variant Classification Criteria 13 December 2019. Collection method: clinical testing. Allele origin: germline.
Comment: This variant was observed as part of a predisposition screen in an ostensibly healthy population. A literature search was performed for the gene, cDNA change, and amino acid change (where applicable). Publications were found based on this search. The evidence from the literature, in combination with allele frequency data from public databases where available, was sufficient to determine this variant is unlikely to cause disease. Therefore, this variant is classified as likely benign.

Ambry Genetics
Classification: Benign for Hereditary cancer-predisposing syndrome. Last evaluated: 2017-02-23. Review status: criteria provided, single submitter. Criteria: Ambry Variant Classification Scheme 2023. Collection method: clinical testing. Allele origin: germline.

PreventionGenetics, part of Exact Sciences
Classification: Benign for PTCH1-related condition. Last evaluated: 2024-02-26. Review status: no assertion criteria provided. Collection method: clinical testing. Allele origin: germline. Not counted in ClinVar's aggregate classification.
Comment: This variant is classified as benign based on ACMG/AMP sequence variant interpretation guidelines (Richards et al. 2015 PMID: 25741868, with internal and published modifications).

Literature cited by the submitters: PubMed 23761049 (cited by Illumina Laboratory Services, Illumina).

NM_000264.5(PTCH1):c.3907C>T (p.Arg1303Cys)

Gene: PTCH1 (patched 1; minus strand). Cytogenetic location: 9q22.32.
Variant type: single nucleotide variant.
Coding change: c.3907C>T on transcript NM_000264.5 (MANE Select); coding-DNA position 3907, C replaced by T.
Protein change: p.Arg1303Cys; replaces arginine 1303 with cysteine.
Molecular consequence: missense variant. On other transcripts: non-coding transcript variant (1).
Genome position (GRCh38, 1-based): chr9:95,447,349, G>A on the plus strand (C>T on the coding strand, the complement: PTCH1 is on the minus strand). VCF-style: chr9-95447349-G-A. GRCh37 (hg19) VCF-style: chr9-98209631-G-A.
Other names: c.3709C>T, p.Arg1237Cys (NM_001083602.3); c.3904C>T, p.Arg1302Cys (NM_001083603.3); c.3454C>T, p.Arg1152Cys (NM_001083604.3, NM_001083605.3, NM_001083606.3 and 1 more transcripts); c.3751C>T, p.Arg1251Cys (NM_001354918.2); short protein forms R1237C, R1303C, R1152C, R1251C, R1302C.
Identifiers: ClinVar variation 132731 (VCV000132731.25), dbSNP rs56102979, ClinGen allele CA332040.
Genomic context (GRCh38, chr9:95,447,349, plus strand): 5'-AAGCGTCTCTGCGCGGTCTGTAGGGGGGTGGCCACAAGCCTTCTCTGGGGGGGTCCCTGC[G>A]GGGCTGCTGGCCTTGCCGTCCGGGAGGCAGGGACCCTGAGTCCAGGTGGGGCTGCTGTCT-3'
Protein context (NP_000255.2, residues 1293-1313): LPPGRQGQQP[Arg1303Cys]RDPPREGLWP